The following is an entry in ClinVar:

NM_002017.5(FLI1):c.1255G>A (p.Ala419Thr)

Gene: FLI1 (Fli-1 proto-oncogene, ETS transcription factor; plus strand). Cytogenetic location: 11q24.3.
Variant type: single nucleotide variant.
Coding change: c.1255G>A on transcript NM_002017.5 (MANE Select); coding-DNA position 1255, G replaced by A.
Protein change: p.Ala419Thr; replaces alanine 419 with threonine.
Molecular consequence: missense variant.
Genome position (GRCh38, 1-based): chr11:128,810,884, G>A. VCF-style: chr11-128810884-G-A. GRCh37 (hg19) VCF-style: chr11-128680779-G-A.
Other names: c.1255G>A (NM_002017.3); c.1156G>A, p.Ala386Thr (NM_001167681.3); c.1057G>A, p.Ala353Thr (NM_001271010.2); c.676G>A, p.Ala226Thr (NM_001271012.2); short protein forms A386T, A419T, A353T, A226T.
Identifiers: ClinVar variation 3713959 (VCV003713959.3).

ClinVar aggregate classification (germline): Uncertain significance. Review status: criteria provided, multiple submitters, no conflicts (2 of 4 stars). 2 submissions from 2 submitters: Uncertain significance (2). Last evaluated 2025-06-08.

Conditions:
Inborn genetic diseases. Identifiers: MedGen C0950123, MeSH D030342.

gnomAD v4.1: 70 of 1,613,826 alleles (0.0043%); highest among the groups gnomAD compares: South Asian, 0.025%; no homozygotes.

Submissions (2):

Labcorp Genetics (formerly Invitae), Labcorp
Classification: Uncertain significance. Last evaluated: 2025-06-08. Review status: criteria provided, single submitter. Criteria: Invitae Variant Classification Sherloc (09022015). Collection method: clinical testing. Allele origin: germline.
Comment: This sequence change replaces alanine, which is neutral and non-polar, with threonine, which is neutral and polar, at codon 419 of the FLI1 protein (p.Ala419Thr). This variant is present in population databases (rs186156572, gnomAD 0.04%), and has an allele count higher than expected for a pathogenic variant. This variant has not been reported in the literature in individuals affected with FLI1-related conditions. ClinVar contains an entry for this variant (Variation ID: 3713959). Invitae Evidence Modeling of protein sequence and biophysical properties (such as structural, functional, and spatial information, amino acid conservation, physicochemical variation, residue mobility, and thermodynamic stability) indicates that this missense variant is not expected to disrupt FLI1 protein function with a negative predictive value of 80%. In summary, the available evidence is currently insufficient to determine the role of this variant in disease. Therefore, it has been classified as a Variant of Uncertain Significance.

Ambry Genetics
Classification: Uncertain significance for Inborn genetic diseases. Last evaluated: 2025-05-15. Review status: criteria provided, single submitter. Criteria: Ambry Variant Classification Scheme 2023. Collection method: clinical testing. Allele origin: germline.